The following is an entry in ClinVar:

NM_182961.4(SYNE1):c.129+43C>A

Gene: SYNE1 (spectrin repeat containing nuclear envelope protein 1; minus strand). Cytogenetic location: 6q25.2.
Variant type: single nucleotide variant.
Coding change: c.129+43C>A on transcript NM_182961.4 (MANE Select); 43 bases into the intron after coding-DNA position 129, C replaced by A.
Molecular consequence: intron variant.
Genome position (GRCh38, 1-based): chr6:152,539,917, G>T on the plus strand (C>A on the coding strand, the complement: SYNE1 is on the minus strand). VCF-style: chr6-152539917-G-T. GRCh37 (hg19) VCF-style: chr6-152861052-G-T.
Other names: c.129+43C>A (NM_033071.5).
Identifiers: ClinVar variation 675447 (VCV000675447.1), dbSNP rs74861532, ClinGen allele CA4059867.

ClinVar aggregate classification (germline): Benign (1 of 4 stars; one submission).

Allele frequency attached by ClinVar (database versions not stated): gnomAD exomes 0.00796; ExAC 0.01021; gnomAD 0.03048 and 0.03261; TOPMed 0.03433; ESP Exome Variant Server 0.03521; 1000 Genomes Project 0.03974; 1000 Genomes Project 30x 0.04044.
gnomAD v4.1: 9,308 of 1,595,162 alleles (0.58%); highest among the groups gnomAD compares: African/African-American, 11%; 491 homozygotes.

Submission:

GeneDx
Classification: Benign. Last evaluated: 2018-06-19. Review status: criteria provided, single submitter. Criteria: GeneDx Variant Classification (06012015). Collection method: clinical testing. Allele origin: germline. Affected: yes.
Comment: This variant is considered likely benign or benign based on one or more of the following criteria: it is a conservative change, it occurs at a poorly conserved position in the protein, it is predicted to be benign by multiple in silico algorithms, and/or has population frequency not consistent with disease.